The following is an entry in ClinVar:

ClinVar aggregate classification (germline): Uncertain significance (1 of 4 stars; one submission).

Allele frequency attached by ClinVar (database versions not stated): gnomAD exomes 0.00001; gnomAD 0.00002; TOPMed 0.00004.

Submission:

Labcorp Genetics (formerly Invitae), Labcorp
Classification: Uncertain significance. Last evaluated: 2021-08-24. Review status: criteria provided, single submitter. Criteria: Invitae Variant Classification Sherloc (09022015). Collection method: clinical testing. Allele origin: germline.
Comment: This sequence change replaces alanine with valine at codon 19 of the ASAH1 protein (p.Ala19Val). The alanine residue is weakly conserved and there is a small physicochemical difference between alanine and valine. This variant is not present in population databases (ExAC no frequency). This variant has not been reported in the literature in individuals affected with ASAH1-related conditions. Algorithms developed to predict the effect of missense changes on protein structure and function are either unavailable or do not agree on the potential impact of this missense change (SIFT: "Tolerated"; PolyPhen-2: "Possibly Damaging"; Align-GVGD: "Class C0"). In summary, the available evidence is currently insufficient to determine the role of this variant in disease. Therefore, it has been classified as a Variant of Uncertain Significance.

NM_177924.5(ASAH1):c.56C>T (p.Ala19Val)

Gene: ASAH1 (N-acylsphingosine amidohydrolase 1; minus strand). Cytogenetic location: 8p22.
Variant type: single nucleotide variant.
Coding change: c.56C>T on transcript NM_177924.5 (MANE Select); coding-DNA position 56, C replaced by T.
Protein change: p.Ala19Val; replaces alanine 19 with valine.
Molecular consequence: missense variant. On other transcripts: intron variant (2).
Genome position (GRCh38, 1-based): chr8:18,084,003, G>A on the plus strand (C>T on the coding strand, the complement: ASAH1 is on the minus strand). VCF-style: chr8-18084003-G-A. GRCh37 (hg19) VCF-style: chr8-17941512-G-A.
Other names: c.126+673C>T (NM_004315.6, NM_001127505.3); short protein forms A19V.
Identifiers: ClinVar variation 1424540 (VCV001424540.5), dbSNP rs866598407, ClinGen allele CA173159662.